The following is an entry in ClinVar:

ClinVar aggregate classification (germline): Pathogenic. Review status: criteria provided, multiple submitters, no conflicts (2 of 4 stars). 4 submissions from 4 submitters: Pathogenic (4). Last evaluated 2025-12-21.

Conditions:
Hereditary cancer-predisposing syndrome. Also called: Neoplastic Syndromes, Hereditary; Tumor predisposition; Hereditary Cancer Syndrome; Hereditary neoplastic syndrome. Identifiers: Orphanet 140162, MedGen C0027672, MeSH D009386, MONDO:0015356.
Hereditary breast ovarian cancer syndrome. Also called: Hereditary breast and ovarian cancer syndrome; Hereditary breast and ovarian cancer; Hereditary breast and ovarian cancer syndrome (HBOC); Breast and ovarian cancer; Hereditary breast and/or ovarian cancer syndrome; BRCA1- and BRCA2-Associated Hereditary Breast and Ovarian Cancer. Identifiers: Orphanet 145, MedGen C0677776, MeSH D061325, MONDO:0003582. Disease mechanism: loss of function.
Familial cancer of breast. Also called: BREAST CANCER, FAMILIAL; Hereditary breast cancer; hereditary breast carcinoma. Identifiers: Orphanet 227535, MedGen C0346153, MONDO:0016419, OMIM 114480. Disease mechanism: loss of function.

Submissions (4):

Labcorp Genetics (formerly Invitae), Labcorp
Classification: Pathogenic for Hereditary breast ovarian cancer syndrome. Last evaluated: 2025-12-21. Review status: criteria provided, single submitter. Criteria: Invitae Variant Classification Sherloc (09022015). Collection method: clinical testing. Allele origin: germline.
Comment: This sequence change creates a premature translational stop signal (p.Tyr3049*) in the BRCA2 gene. It is expected to result in an absent or disrupted protein product. Loss-of-function variants in BRCA2 are known to be pathogenic (PMID: 20104584). This variant is not present in population databases (gnomAD no frequency). This premature translational stop signal has been observed in individual(s) with clinical features of BRCA2-related conditions (PMID: 29446198). ClinVar contains an entry for this variant (Variation ID: 481512). For these reasons, this variant has been classified as Pathogenic.

Ambry Genetics
Classification: Pathogenic for Hereditary cancer-predisposing syndrome. Last evaluated: 2024-10-30. Review status: criteria provided, single submitter. Criteria: Ambry Variant Classification Scheme 2023. Collection method: clinical testing. Allele origin: germline.
Comment: The p.Y3049* pathogenic mutation (also known as c.9147C>G), located in coding exon 23 of the BRCA2 gene, results from a C to G substitution at nucleotide position 9147. This changes the amino acid from a tyrosine to a stop codon within coding exon 23. This variant is considered to be rare based on population cohorts in the Genome Aggregation Database (gnomAD). This alteration is expected to result in loss of function by premature protein truncation or nonsense-mediated mRNA decay. As such, this alteration is interpreted as a disease-causing mutation.

Baylor Genetics
Classification: Pathogenic for Familial cancer of breast. Last evaluated: 2023-07-04. Review status: criteria provided, single submitter. Criteria: ACMG Guidelines, 2015. Collection method: clinical testing. Allele origin: unknown.

Color Diagnostics, LLC DBA Color Health
Classification: Pathogenic for Hereditary cancer-predisposing syndrome. Last evaluated: 2020-08-18. Review status: criteria provided, single submitter. Criteria: ACMG Guidelines, 2015. Collection method: clinical testing. Allele origin: germline.
Comment: This variant changes 1 nucleotide in exon 24 of the BRCA2 gene, creating a premature translation stop signal. This variant is expected to result in an absent or non-functional protein product. To our knowledge, functional studies have not been reported for this variant. A different nucleotide substitution with the same protein effect (c.9147C>A; p.Tyr3049*) has been reported in a family affected with hereditary breast and ovarian cancer (PMID: 31409081). This variant has not been identified in the general population by the Genome Aggregation Database (gnomAD). Loss of BRCA2 function is a known mechanism of disease. Based on the available evidence, this variant is classified as Pathogenic.

Literature cited by the submitters: PubMed 20104584 (cited by Labcorp Genetics (formerly Invitae), Labcorp); PubMed 29446198 (cited by Labcorp Genetics (formerly Invitae), Labcorp).

NM_000059.4(BRCA2):c.9147C>G (p.Tyr3049Ter)

Gene: BRCA2 (BRCA2 DNA repair associated; plus strand). Cytogenetic location: 13q13.1.
Variant type: single nucleotide variant.
Coding change: c.9147C>G on transcript NM_000059.4 (MANE Select); coding-DNA position 9147, C replaced by G.
Protein change: p.Tyr3049Ter; replaces tyrosine 3049 with a stop codon.
Molecular consequence: nonsense.
Genome position (GRCh38, 1-based): chr13:32,380,036, C>G. VCF-style: chr13-32380036-C-G. GRCh37 (hg19) VCF-style: chr13-32954173-C-G.
Other names: short protein forms Y3049*.
Identifiers: ClinVar variation 481512 (VCV000481512.15), dbSNP rs886040823, ClinGen allele CA387757888.
Genomic context (GRCh38, chr13:32,380,036, plus strand): 5'-ATATGTTGAATTTTTGTTTTGTTTTCTGTAGGTTTCAGATGAAATTTTATTTCAGATTTA[C>G]CAGCCACGGGAGCCCCTTCACTTCAGCAAATTTTTAGATCCAGACTTTCAGCCATCTTGT-3'